The following is an entry in ClinVar:

ClinVar aggregate classification (germline): Uncertain significance (1 of 4 stars; one submission).

gnomAD v4.1: 10 of 1,613,974 alleles (0.00062%); highest among the groups gnomAD compares: African/African-American, 0.012%; no homozygotes.

Submission:

Labcorp Genetics (formerly Invitae), Labcorp
Classification: Uncertain significance. Last evaluated: 2022-07-19. Review status: criteria provided, single submitter. Criteria: Invitae Variant Classification Sherloc (09022015). Collection method: clinical testing. Allele origin: germline.
Comment: In summary, the available evidence is currently insufficient to determine the role of this variant in disease. Therefore, it has been classified as a Variant of Uncertain Significance. Algorithms developed to predict the effect of missense changes on protein structure and function are either unavailable or do not agree on the potential impact of this missense change (SIFT: "Deleterious"; PolyPhen-2: "Probably Damaging"; Align-GVGD: "Class C0"). This variant has not been reported in the literature in individuals affected with BNC2-related conditions. This variant is present in population databases (no rsID available, gnomAD 0.01%). This sequence change replaces leucine, which is neutral and non-polar, with histidine, which is basic and polar, at codon 554 of the BNC2 protein (p.Leu554His).

NM_017637.6(BNC2):c.1661T>A (p.Leu554His)

Gene: BNC2 (basonuclin zinc finger protein 2; minus strand). Cytogenetic location: 9p22.3.
Variant type: single nucleotide variant.
Coding change: c.1661T>A on transcript NM_017637.6 (MANE Select); coding-DNA position 1661, T replaced by A.
Protein change: p.Leu554His; replaces leucine 554 with histidine.
Molecular consequence: missense variant.
Genome position (GRCh38, 1-based): chr9:16,436,533, A>T on the plus strand (T>A on the coding strand, the complement: BNC2 is on the minus strand). VCF-style: chr9-16436533-A-T. GRCh37 (hg19) VCF-style: chr9-16436531-A-T.
Other names: c.1535T>A, p.Leu512His (NM_001317939.2); c.1376T>A, p.Leu459His (NM_001317940.2); short protein forms L459H, L554H, L512H.
Identifiers: ClinVar variation 1932222 (VCV001932222.5), dbSNP rs1017712544, ClinGen allele CA190342651.